The following is an entry in ClinVar:

ClinVar aggregate classification (germline): Likely benign (1 of 4 stars; one submission).

Conditions:
TPCN2-related condition.

gnomAD v4.1: 90 of 1,612,336 alleles (0.0056%); highest among the groups gnomAD compares: African/African-American, 0.099%; no homozygotes.

Submission:

PreventionGenetics, part of Exact Sciences
Classification: Likely benign for TPCN2-related condition. Last evaluated: 2026-08-25. Review status: criteria provided, single submitter. Criteria: ACMG Guidelines, 2015. Collection method: clinical testing. Allele origin: germline.
Comment: This variant is classified as likely benign based on ACMG/AMP sequence variant interpretation guidelines (Richards et al. 2015 PMID: 25741868, with internal and published modifications).

NM_139075.4(TPCN2):c.174+4G>A

Gene: TPCN2 (two pore segment channel 2; plus strand). Cytogenetic location: 11q13.3.
Variant type: single nucleotide variant.
Coding change: c.174+4G>A on transcript NM_139075.4 (MANE Select); 4 bases into the intron after coding-DNA position 174, G replaced by A.
Molecular consequence: intron variant.
Genome position (GRCh38, 1-based): chr11:69,054,101, G>A. VCF-style: chr11-69054101-G-A. GRCh37 (hg19) VCF-style: chr11-68821569-G-A.
Identifiers: ClinVar variation 4979768 (VCV004979768.1).
Genomic context (GRCh38, chr11:69,054,101, plus strand): 5'-GCCAGGTGGGACCTCTGCATTGATCAGGCTGTGGTCTTCATCGAAGATGCTATTCAGGTC[G>A]GTGGCACCTGCTCCCTGTGGCCGGGCCTGGGGGGTGGCCGCCCTCCGATTGGCTCGCCCC-3'